The following is an entry in ClinVar:

ClinVar aggregate classification (germline): Uncertain significance (1 of 4 stars; one submission).

Conditions:
MYO6-related disorder. Also called: MYO6-related disorders; MYO6-related condition.

Allele frequency attached by ClinVar (database versions not stated): gnomAD exomes below 0.00001.
gnomAD v4.1: 6 of 1,614,150 alleles (0.00037%); highest among the groups gnomAD compares: Admixed American, 0.0017%; no homozygotes.

Submission:

PreventionGenetics, part of Exact Sciences
Classification: Uncertain significance for MYO6-related condition. Last evaluated: 2022-08-18. Review status: criteria provided, single submitter. Criteria: ACMG Guidelines, 2015. Collection method: clinical testing. Allele origin: germline.
Comment: The MYO6 c.2135A>G variant is predicted to result in the amino acid substitution p.His712Arg. To our knowledge, this variant has not been reported in the literature. This variant is reported in 0.0029% of alleles in individuals of Latino descent in gnomAD. At this time, the clinical significance of this variant is uncertain due to the absence of conclusive functional and genetic evidence.

NM_004999.4(MYO6):c.2135A>G (p.His712Arg)

Gene: MYO6 (myosin VI; plus strand). Cytogenetic location: 6q14.1.
Variant type: single nucleotide variant.
Coding change: c.2135A>G on transcript NM_004999.4 (MANE Select); coding-DNA position 2135, A replaced by G.
Protein change: p.His712Arg; replaces histidine 712 with arginine.
Molecular consequence: missense variant. On other transcripts: non-coding transcript variant (1).
Genome position (GRCh38, 1-based): chr6:75,879,877, A>G. VCF-style: chr6-75879877-A-G. GRCh37 (hg19) VCF-style: chr6-76589594-A-G.
Other names: c.2135A>G, p.His712Arg (NM_001300899.2, NM_001368136.1, NM_001368137.1 and 2 more transcripts); c.2120A>G, p.His707Arg (NM_001368138.1); short protein forms H707R, H712R.
Identifiers: ClinVar variation 2636482 (VCV002636482.1), dbSNP rs1483659397, ClinGen allele CA364771264.